The following is an entry in ClinVar:

ClinVar aggregate classification (germline): Benign (1 of 4 stars; one submission).

Conditions:
Lethal polymalformative syndrome, Boissel type. Also called: GROWTH RETARDATION, DEVELOPMENTAL DELAY, AND FACIAL DYSMORPHISM. Identifiers: Orphanet 210144, MedGen C2752001, MONDO:0013050, OMIM 612938.

Allele frequency attached by ClinVar (database versions not stated): gnomAD 0.01595 and 0.01710; TOPMed 0.01814; 1000 Genomes Project 0.01917; 1000 Genomes Project 30x 0.01983.

Submission:

Illumina Laboratory Services, Illumina
Classification: Benign for Lethal polymalformative syndrome, Boissel type. Last evaluated: 2018-01-13. Review status: criteria provided, single submitter. Criteria: ICSL Variant Classification Criteria 13 December 2019. Collection method: clinical testing. Allele origin: germline.
Comment: This variant was observed in the ICSL laboratory as part of a predisposition screen in an ostensibly healthy population. It had not been previously curated by ICSL or reported in the Human Gene Mutation Database (HGMD: prior to June 1st, 2018), and was therefore a candidate for classification through an automated scoring system. Utilizing variant allele frequency, disease prevalence and penetrance estimates, and inheritance mode, an automated score was calculated to assess if this variant is too frequent to cause the disease. Based on the score and internal cut-off values, a variant classified as benign is not then subjected to further curation. The score for this variant resulted in a classification of benign for this disease.

NM_001080432.3(FTO):c.*1860A>C

Gene: FTO (FTO alpha-ketoglutarate dependent dioxygenase; plus strand). Cytogenetic location: 16q12.2.
Variant type: single nucleotide variant.
Coding change: c.*1860A>C on transcript NM_001080432.3 (MANE Select); 1860 bases downstream of the stop codon, A replaced by C.
Molecular consequence: 3 prime UTR variant.
Genome position (GRCh38, 1-based): chr16:54,113,775, A>C. VCF-style: chr16-54113775-A-C. GRCh37 (hg19) VCF-style: chr16-54147687-A-C.
Other names: c.*1860A>C (NM_001363891.2, NM_001363894.2, NM_001363896.2 and 6 more transcripts); c.*1978A>C (NM_001363903.2); c.*2036A>C (NM_001363988.2).
Identifiers: ClinVar variation 319720 (VCV000319720.5), dbSNP rs77984007, ClinGen allele CA10648580.